The following is an entry in ClinVar:

NM_014974.3(DIP2C):c.4339A>G (p.Met1447Val)

Gene: DIP2C (DIP2 acetate--CoA ligase C (putative); minus strand). Cytogenetic location: 10p15.3.
Variant type: single nucleotide variant.
Coding change: c.4339A>G on transcript NM_014974.3 (MANE Select); coding-DNA position 4339, A replaced by G.
Protein change: p.Met1447Val; replaces methionine 1447 with valine.
Molecular consequence: missense variant.
Genome position (GRCh38, 1-based): chr10:281,279, T>C on the plus strand (A>G on the coding strand, the complement: DIP2C is on the minus strand). VCF-style: chr10-281279-T-C. GRCh37 (hg19) VCF-style: chr10-327219-T-C.
Other names: short protein forms M1447V.
Identifiers: ClinVar variation 2888876 (VCV002888876.3), dbSNP rs1954805640, ClinGen allele CA375827328.

ClinVar aggregate classification (germline): Uncertain significance (1 of 4 stars; one submission).

Allele frequency attached by ClinVar (database versions not stated): gnomAD exomes below 0.00001.

Submission:

Labcorp Genetics (formerly Invitae), Labcorp
Classification: Uncertain significance. Last evaluated: 2024-07-01. Review status: criteria provided, single submitter. Criteria: Invitae Variant Classification Sherloc (09022015). Collection method: clinical testing. Allele origin: germline.
Comment: This sequence change replaces methionine, which is neutral and non-polar, with valine, which is neutral and non-polar, at codon 1447 of the DIP2C protein (p.Met1447Val). This variant is not present in population databases (gnomAD no frequency). This variant has not been reported in the literature in individuals affected with DIP2C-related conditions. An algorithm developed to predict the effect of missense changes on protein structure and function (PolyPhen-2) suggests that this variant is likely to be tolerated. In summary, the available evidence is currently insufficient to determine the role of this variant in disease. Therefore, it has been classified as a Variant of Uncertain Significance.